The following is an entry in ClinVar:

ClinVar aggregate classification (germline): Uncertain significance (1 of 4 stars; one submission).

Conditions:
Hereditary cancer-predisposing syndrome. Also called: Neoplastic Syndromes, Hereditary; Hereditary Cancer Syndrome; Hereditary neoplastic syndrome; Tumor predisposition. Identifiers: Orphanet 140162, MedGen C0027672, MeSH D009386, MONDO:0015356.

Submission:

Ambry Genetics
Classification: Uncertain significance for Hereditary cancer-predisposing syndrome. Last evaluated: 2023-06-12. Review status: criteria provided, single submitter. Criteria: Ambry Variant Classification Scheme 2023. Collection method: clinical testing. Allele origin: germline.
Comment: The p.S1025C variant (also known as c.3073A>T), located in coding exon 21 of the TSC1 gene, results from an A to T substitution at nucleotide position 3073. The serine at codon 1025 is replaced by cysteine, an amino acid with dissimilar properties. This amino acid position is conserved. In addition, this alteration is predicted to be tolerated by in silico analysis. Since supporting evidence is limited at this time, the clinical significance of this alteration remains unclear.

NM_000368.5(TSC1):c.3073A>T (p.Ser1025Cys)

Gene: TSC1 (TSC complex subunit 1; minus strand). Cytogenetic location: 9q34.13.
Variant type: single nucleotide variant.
Coding change: c.3073A>T on transcript NM_000368.5 (MANE Select); coding-DNA position 3073, A replaced by T.
Protein change: p.Ser1025Cys; replaces serine 1025 with cysteine.
Molecular consequence: missense variant. On other transcripts: non-coding transcript variant (5).
Genome position (GRCh38, 1-based): chr9:132,896,657, T>A on the plus strand (A>T on the coding strand, the complement: TSC1 is on the minus strand). VCF-style: chr9-132896657-T-A. GRCh37 (hg19) VCF-style: chr9-135772044-T-A.
Other names: c.3070A>T, p.Ser1024Cys (NM_001162426.2, NM_001406597.1, NM_001406598.1 and 2 more transcripts); c.2920A>T, p.Ser974Cys (NM_001162427.2, NM_001406610.1); c.2710A>T, p.Ser904Cys (NM_001362177.2, NM_001406614.1, NM_001406615.1 and 4 more transcripts); c.3073A>T, p.Ser1025Cys (NM_001406592.1, NM_001406593.1, NM_001406594.1 and 2 more transcripts); c.3058A>T, p.Ser1020Cys (NM_001406601.1, NM_001406602.1); c.3055A>T, p.Ser1019Cys (NM_001406603.1, NM_001406604.1); c.3031A>T, p.Ser1011Cys (NM_001406605.1, NM_001406606.1, NM_001406607.1); c.3028A>T, p.Ser1010Cys (NM_001406608.1, NM_001406609.1); and 8 more; short protein forms S1011C, S674C, S707C, S708C, S890C, S973C, S1019C, S1020C.
Identifiers: ClinVar variation 2561529 (VCV002561529.2), dbSNP rs2131611630, ClinGen allele CA375367582.